The following is an entry in ClinVar:

ClinVar aggregate classification (germline): Conflicting classifications of pathogenicity. Review status: criteria provided, conflicting classifications (1 of 4 stars). 8 submissions from 8 submitters: Uncertain significance (2); Benign (1); Likely benign (3). 2 of the submissions do not count toward it. Last evaluated 2026-01-19.

Conditions:
PKHD1-related disorder. Also called: PKHD1-related condition.
Autosomal recessive polycystic kidney disease (ARPKD). Also called: AR polycystic kidney disease. Identifiers: Orphanet 731, Orphanet 8378, MedGen C0085548, MeSH D017044, MONDO:0009889.

Allele frequency attached by ClinVar (database versions not stated): 1000 Genomes Project 0.00040; gnomAD exomes 0.00046 and 0.00091; 1000 Genomes Project 30x 0.00047; ExAC 0.00048; gnomAD 0.00056 and 0.00057; TOPMed 0.00060; ESP Exome Variant Server 0.00092.
gnomAD v4.1: 1,414 of 1,613,928 alleles (0.088%); highest among the groups gnomAD compares: Non-Finnish European, 0.11%; 1 homozygote.

Submissions (8):

Labcorp Genetics (formerly Invitae), Labcorp
Classification: Benign for Autosomal recessive polycystic kidney disease. Last evaluated: 2026-01-19. Review status: criteria provided, single submitter. Criteria: Invitae Variant Classification Sherloc (09022015). Collection method: clinical testing. Allele origin: germline.

CeGaT Center for Human Genetics Tuebingen
Classification: Likely benign. Last evaluated: 2025-01-01. Review status: criteria provided, single submitter. Criteria: CeGaT Center For Human Genetics Tuebingen Variant Classification Criteria Version 2. Collection method: clinical testing. Allele origin: germline. Affected: yes. Observed: 1 variant allele.
Comment: PKHD1: BP4

Blueprint Genetics
Classification: Likely benign. Last evaluated: 2024-10-29. Review status: criteria provided, single submitter. Criteria: ACMG Guidelines, 2015. Collection method: clinical testing. Allele origin: germline.

GeneDx
Classification: Likely benign. Last evaluated: 2020-09-29. Review status: criteria provided, single submitter. Criteria: GeneDx Variant Classification Process June 2021. Collection method: clinical testing. Allele origin: germline. Affected: yes.
Comment: In silico analysis, which includes protein predictors and evolutionary conservation, supports that this variant does not alter protein structure/function; This variant is associated with the following publications: (PMID: 29642553)

Eurofins Ntd Llc (ga)
Classification: Uncertain significance. Last evaluated: 2018-07-02. Review status: criteria provided, single submitter. Criteria: EGL ClinVar v180209 classification definitions. Collection method: clinical testing. Allele origin: germline. Observed: 6 variant alleles, 6 heterozygotes.

Illumina Laboratory Services, Illumina
Classification: Uncertain significance for Polycystic kidney disease 4. Last evaluated: 2018-01-13. Review status: criteria provided, single submitter. Criteria: ICSL Variant Classification Criteria 13 December 2019. Collection method: clinical testing. Allele origin: germline.

PreventionGenetics, part of Exact Sciences
Classification: Likely benign for PKHD1-related condition. Last evaluated: 2023-10-11. Review status: no assertion criteria provided. Collection method: clinical testing. Allele origin: germline. Not counted in ClinVar's aggregate classification.
Comment: This variant is classified as likely benign based on ACMG/AMP sequence variant interpretation guidelines (Richards et al. 2015 PMID: 25741868, with internal and published modifications).

Natera, Inc.
Classification: Likely benign for Autosomal recessive polycystic kidney disease. Last evaluated: 2019-08-05. Review status: no assertion criteria provided. Collection method: clinical testing. Allele origin: germline. Not counted in ClinVar's aggregate classification.

NM_138694.4(PKHD1):c.11800G>A (p.Val3934Ile)

Gene: PKHD1 (PKHD1 ciliary IPT domain containing fibrocystin/polyductin; minus strand). Cytogenetic location: 6p12.3.
Variant type: single nucleotide variant.
Coding change: c.11800G>A on transcript NM_138694.4 (MANE Select); coding-DNA position 11800, G replaced by A.
Protein change: p.Val3934Ile; replaces valine 3934 with isoleucine.
Molecular consequence: missense variant.
Genome position (GRCh38, 1-based): chr6:51,619,506, C>T on the plus strand (G>A on the coding strand, the complement: PKHD1 is on the minus strand). VCF-style: chr6-51619506-C-T. GRCh37 (hg19) VCF-style: chr6-51484304-C-T.
Other names: short protein forms V3934I.
Identifiers: ClinVar variation 289543 (VCV000289543.39), dbSNP rs149111536, ClinGen allele CA3850687.
Genomic context (GRCh38, chr6:51,619,506, plus strand): 5'-TCCTTCTGGACACTCCATTCATCAACTGGTGGGGGCACTGGTTCACCTTGCCCAGCATGA[C>T]CTTCATTCTCATATCTGGGGGGAAAAGAAATAGGGGAAGAAATGGATTTAGTTTTCAACC-3'
Protein context (NP_619639.3, residues 3924-3944): TVVGEDMRMK[Val3934Ile]MLGKVNQCPH